The following is an entry in ClinVar:

ClinVar aggregate classification (germline): Uncertain significance (1 of 4 stars; one submission).

Allele frequency attached by ClinVar (database versions not stated): ExAC 0.00001; gnomAD exomes 0.00001; TOPMed 0.00001; gnomAD 0.00003.
gnomAD v4.1: 18 of 1,613,958 alleles (0.0011%); highest among the groups gnomAD compares: African/African-American, 0.017%; no homozygotes.

Submission:

Labcorp Genetics (formerly Invitae), Labcorp
Classification: Uncertain significance. Last evaluated: 2025-07-31. Review status: criteria provided, single submitter. Criteria: Invitae Variant Classification Sherloc (09022015). Collection method: clinical testing. Allele origin: germline.
Comment: This sequence change replaces alanine, which is neutral and non-polar, with threonine, which is neutral and polar, at codon 667 of the GPR179 protein (p.Ala667Thr). The frequency data for this variant in the population databases is considered unreliable, as metrics indicate poor data quality at this position in the gnomAD database. This variant has not been reported in the literature in individuals affected with GPR179-related conditions. ClinVar contains an entry for this variant (Variation ID: 1919099). An algorithm developed to predict the effect of missense changes on protein structure and function (PolyPhen-2) suggests that this variant is likely to be disruptive. In summary, the available evidence is currently insufficient to determine the role of this variant in disease. Therefore, it has been classified as a Variant of Uncertain Significance.

NM_001004334.4(GPR179):c.1999G>A (p.Ala667Thr)

Gene: GPR179 (G protein-coupled receptor 179; minus strand). Cytogenetic location: 17q12.
Variant type: single nucleotide variant.
Coding change: c.1999G>A on transcript NM_001004334.4 (MANE Select); coding-DNA position 1999, G replaced by A.
Protein change: p.Ala667Thr; replaces alanine 667 with threonine.
Molecular consequence: missense variant.
Genome position (GRCh38, 1-based): chr17:38,333,289, C>T on the plus strand (G>A on the coding strand, the complement: GPR179 is on the minus strand). VCF-style: chr17-38333289-C-T. GRCh37 (hg19) VCF-style: chr17-36489172-C-T.
Other names: short protein forms A667T.
Identifiers: ClinVar variation 1919099 (VCV001919099.3), dbSNP rs769563150, ClinGen allele CA290106829.